The following is an entry in ClinVar:

ClinVar aggregate classification (germline): Likely benign. Review status: criteria provided, single submitter (1 of 4 stars). 2 submissions from 2 submitters: Likely benign (1). 1 of the submissions does not count toward it. Last evaluated 2025-10-06.

Conditions:
HOGA1-related disorder. Also called: HOGA1-related condition.

gnomAD v4.1: 1 of 1,614,068 alleles (0.000062%); highest among the groups gnomAD compares: East Asian, 0.0022%; no homozygotes.

Submissions (2):

Labcorp Genetics (formerly Invitae), Labcorp
Classification: Likely benign. Last evaluated: 2025-10-06. Review status: criteria provided, single submitter. Criteria: Invitae Variant Classification Sherloc (09022015). Collection method: clinical testing. Allele origin: germline.

PreventionGenetics, part of Exact Sciences
Classification: Likely benign for HOGA1-related condition. Last evaluated: 2019-06-12. Review status: no assertion criteria provided. Collection method: clinical testing. Allele origin: germline. Not counted in ClinVar's aggregate classification.
Comment: This variant is classified as likely benign based on ACMG/AMP sequence variant interpretation guidelines (Richards et al. 2015 PMID: 25741868, with internal and published modifications).

NM_138413.4(HOGA1):c.469-4C>G

Gene: HOGA1 (4-hydroxy-2-oxoglutarate aldolase 1; plus strand). Cytogenetic location: 10q24.2.
Variant type: single nucleotide variant.
Coding change: c.469-4C>G on transcript NM_138413.4 (MANE Select); 4 bases into the intron before coding-DNA position 469, C replaced by G.
Molecular consequence: intron variant.
Genome position (GRCh38, 1-based): chr10:97,599,676, C>G. VCF-style: chr10-97599676-C-G. GRCh37 (hg19) VCF-style: chr10-99359433-C-G.
Other names: c.212-2181C>G (NM_001134670.2); c.469-4C>G (NM_138413.3).
Identifiers: ClinVar variation 1921915 (VCV001921915.7), dbSNP rs766515436, ClinGen allele CA670453023.